The following is an entry in ClinVar:

NM_006019.4(TCIRG1):c.1150C>G (p.Gln384Glu)

Gene: TCIRG1 (T cell immune regulator 1, ATPase H+ transporting V0 subunit a3; plus strand). Cytogenetic location: 11q13.2.
Variant type: single nucleotide variant.
Coding change: c.1150C>G on transcript NM_006019.4 (MANE Select); coding-DNA position 1150, C replaced by G.
Protein change: p.Gln384Glu; replaces glutamine 384 with glutamic acid.
Molecular consequence: missense variant. On other transcripts: intron variant (1).
Genome position (GRCh38, 1-based): chr11:68,045,087, C>G. VCF-style: chr11-68045087-C-G. GRCh37 (hg19) VCF-style: chr11-67812554-C-G.
Other names: c.256C>G, p.Gln86Glu (NM_001351059.2); c.1150C>G, p.Gln384Glu (NM_001440552.1, NM_001440553.1, NM_001440554.1 and 2 more transcripts); c.1108C>G, p.Gln370Glu (NM_001440555.1, NM_001440556.1, NM_001440563.1); c.937C>G, p.Gln313Glu (NM_001440559.1, NM_001440560.1, NM_001440561.1 and 3 more transcripts); c.895C>G, p.Gln299Glu (NM_001440564.1); c.850C>G, p.Gln284Glu (NM_001440565.1); c.682C>G, p.Gln228Glu (NM_001440568.1); c.502C>G, p.Gln168Glu (NM_006053.4); and 1 more; short protein forms Q228E, Q86E, Q168E, Q284E, Q313E, Q370E, Q299E, Q384E.
Identifiers: ClinVar variation 4753816 (VCV004753816.1).

ClinVar aggregate classification (germline): Uncertain significance (1 of 4 stars; one submission).

gnomAD v4.1: 8 of 1,601,996 alleles (0.0005%); highest among the groups gnomAD compares: Non-Finnish European, 0.00059%; no homozygotes.

Submission:

Labcorp Genetics (formerly Invitae), Labcorp
Classification: Uncertain significance. Last evaluated: 2026-01-11. Review status: criteria provided, single submitter. Criteria: Invitae Variant Classification Sherloc (09022015). Collection method: clinical testing. Allele origin: germline.
Comment: This sequence change replaces glutamine, which is neutral and polar, with glutamic acid, which is acidic and polar, at codon 384 of the TCIRG1 protein (p.Gln384Glu). This variant is present in population databases (rs573145198, gnomAD 0.002%). This variant has not been reported in the literature in individuals affected with TCIRG1-related conditions. Invitae Evidence Modeling of protein sequence and biophysical properties (such as structural, functional, and spatial information, amino acid conservation, physicochemical variation, residue mobility, and thermodynamic stability) indicates that this missense variant is not expected to disrupt TCIRG1 protein function with a negative predictive value of 80%. In summary, the available evidence is currently insufficient to determine the role of this variant in disease. Therefore, it has been classified as a Variant of Uncertain Significance.